The following is an entry in ClinVar:

ClinVar aggregate classification (germline): Pathogenic. Review status: criteria provided, multiple submitters, no conflicts (2 of 4 stars). 2 submissions from 2 submitters: Pathogenic (2). Last evaluated 2023-09-09.

Conditions:
Citrullinemia. Identifiers: Orphanet 187, MedGen C0175683, MONDO:0015991.
Citrullinemia type I (CTNL1). Also called: ASS DEFICIENCY; argininosuccinate synthetase deficiency. Identifiers: Orphanet 247525, MedGen C4721769, MONDO:0008988, OMIM 215700.

Submissions (2):

Baylor Genetics
Classification: Pathogenic for Citrullinemia type I. Last evaluated: 2023-09-09. Review status: criteria provided, single submitter. Criteria: ACMG Guidelines, 2015. Collection method: clinical testing. Allele origin: unknown.

Labcorp Genetics (formerly Invitae), Labcorp
Classification: Pathogenic for Citrullinemia. Last evaluated: 2022-11-29. Review status: criteria provided, single submitter. Criteria: Invitae Variant Classification Sherloc (09022015). Collection method: clinical testing. Allele origin: germline.
Comment: This sequence change creates a premature translational stop signal (p.Gln350*) in the ASS1 gene. It is expected to result in an absent or disrupted protein product. Loss-of-function variants in ASS1 are known to be pathogenic (PMID: 18473344, 19006241). This variant is not present in population databases (gnomAD no frequency). This variant has not been reported in the literature in individuals affected with ASS1-related conditions. ClinVar contains an entry for this variant (Variation ID: 1071097). For these reasons, this variant has been classified as Pathogenic.

Literature cited by the submitters: PubMed 18473344 (cited by Labcorp Genetics (formerly Invitae), Labcorp); PubMed 19006241 (cited by Labcorp Genetics (formerly Invitae), Labcorp).

NM_054012.4(ASS1):c.1048C>T (p.Gln350Ter)

Gene: ASS1 (argininosuccinate synthase 1; plus strand). Cytogenetic location: 9q34.11.
Variant type: single nucleotide variant.
Coding change: c.1048C>T on transcript NM_054012.4 (MANE Select); coding-DNA position 1048, C replaced by T.
Protein change: p.Gln350Ter; replaces glutamine 350 with a stop codon.
Molecular consequence: nonsense.
Genome position (GRCh38, 1-based): chr9:130,494,944, C>T. VCF-style: chr9-130494944-C-T. GRCh37 (hg19) VCF-style: chr9-133370331-C-T.
Other names: c.1048C>T, p.Gln350Ter (NM_000050.4); short protein forms Q350*.
Identifiers: ClinVar variation 1071097 (VCV001071097.13), dbSNP rs2118880266, ClinGen allele CA375231947.